The following is an entry in ClinVar:

NM_052947.4(ALPK2):c.4145A>C (p.Lys1382Thr)

Genes: ALPK2 (alpha kinase 2; minus strand), LOC126862764 (BRD4-independent group 4 enhancer GRCh37_chr18:56202574-56203773; plus strand). Cytogenetic location: 18q21.31.
Variant type: single nucleotide variant.
Coding change: c.4145A>C on transcript NM_052947.4 (MANE Select); coding-DNA position 4145, A replaced by C.
Protein change: p.Lys1382Thr; replaces lysine 1382 with threonine.
Molecular consequence: missense variant.
Genome position (GRCh38, 1-based): chr18:58,536,042, T>G on the plus strand (A>C on the coding strand, the complement: ALPK2 is on the minus strand). VCF-style: chr18-58536042-T-G. GRCh37 (hg19) VCF-style: chr18-56203274-T-G.
Other names: short protein forms K1382T.
Identifiers: ClinVar variation 1738195 (VCV001738195.3), dbSNP rs773051923, ClinGen allele CA402564023.

ClinVar aggregate classification (germline): Uncertain significance (1 of 4 stars; one submission).

Allele frequency attached by ClinVar (database versions not stated): gnomAD exomes below 0.00001.
gnomAD v4.1: 1 of 1,614,232 alleles (0.000062%); highest among the groups gnomAD compares: Admixed American, 0.0017%; no homozygotes.

Submission:

Ambry Genetics
Classification: Uncertain significance. Last evaluated: 2024-06-10. Review status: criteria provided, single submitter. Criteria: Ambry Variant Classification Scheme 2023. Collection method: clinical testing. Allele origin: germline.
Comment: The p.K1382T variant (also known as c.4145A>C), located in coding exon 4 of the ALPK2 gene, results from an A to C substitution at nucleotide position 4145. The lysine at codon 1382 is replaced by threonine, an amino acid with similar properties. This amino acid position is conserved. In addition, this alteration is predicted to be tolerated by in silico analysis. Since supporting evidence is limited at this time, the clinical significance of this alteration remains unclear.